The following is an entry in ClinVar:

NM_003482.4(KMT2D):c.8558C>G (p.Pro2853Arg)

Gene: KMT2D (lysine methyltransferase 2D; minus strand). Cytogenetic location: 12q13.12.
Variant type: single nucleotide variant.
Coding change: c.8558C>G on transcript NM_003482.4 (MANE Select); coding-DNA position 8558, C replaced by G.
Protein change: p.Pro2853Arg; replaces proline 2853 with arginine.
Molecular consequence: missense variant.
Genome position (GRCh38, 1-based): chr12:49,038,798, G>C on the plus strand (C>G on the coding strand, the complement: KMT2D is on the minus strand). VCF-style: chr12-49038798-G-C. GRCh37 (hg19) VCF-style: chr12-49432581-G-C.
Other names: short protein forms P2853R.
Identifiers: ClinVar variation 2810078 (VCV002810078.3), dbSNP rs754988293, ClinGen allele CA384741813.

ClinVar aggregate classification (germline): Uncertain significance (1 of 4 stars; one submission).

Conditions:
Kabuki syndrome. Also called: Kabuki make-up syndrome; NIIKAWA-KUROKI SYNDROME. Identifiers: Orphanet 2322, MedGen C0796004, MONDO:0016512.

Submission:

Labcorp Genetics (formerly Invitae), Labcorp
Classification: Uncertain significance for Kabuki syndrome. Last evaluated: 2022-10-27. Review status: criteria provided, single submitter. Criteria: Invitae Variant Classification Sherloc (09022015). Collection method: clinical testing. Allele origin: germline.
Comment: In summary, the available evidence is currently insufficient to determine the role of this variant in disease. Therefore, it has been classified as a Variant of Uncertain Significance. Advanced modeling of protein sequence and biophysical properties (such as structural, functional, and spatial information, amino acid conservation, physicochemical variation, residue mobility, and thermodynamic stability) performed at Invitae indicates that this missense variant is not expected to disrupt KMT2D protein function. This variant has not been reported in the literature in individuals affected with KMT2D-related conditions. This variant is not present in population databases (gnomAD no frequency). This sequence change replaces proline, which is neutral and non-polar, with arginine, which is basic and polar, at codon 2853 of the KMT2D protein (p.Pro2853Arg).